The following is an entry in ClinVar:

ClinVar aggregate classification (germline): Conflicting classifications of pathogenicity. Review status: criteria provided, conflicting classifications (1 of 4 stars). 3 submissions from 3 submitters: Pathogenic (1); Likely pathogenic (1); Uncertain significance (1). Last evaluated 2026-07-15.

Conditions:
Familial thoracic aortic aneurysm and aortic dissection (TAAD). Also called: Thoracic aortic aneurysms and dissections. Identifiers: Orphanet 91387, MedGen C4707243, MONDO:0019625.

Allele frequency attached by ClinVar (database versions not stated): gnomAD exomes below 0.00001; TOPMed below 0.00001.
gnomAD v4.1: 4 of 1,614,134 alleles (0.00025%); highest among the groups gnomAD compares: African/African-American, 0.0013%; no homozygotes.

Submissions (3):

GeneDx
Classification: Pathogenic. Last evaluated: 2026-07-15. Review status: criteria provided, single submitter. Criteria: GeneDx Variant Classification Process June 2021. Collection method: clinical testing. Allele origin: germline.
Comment: Not observed at significant frequency in large population cohorts (gnomAD); In silico analysis supports that this missense variant has a deleterious effect on protein structure/function; This variant is associated with the following publications: (PMID: 28729728, 29543232)

Ambry Genetics
Classification: Uncertain significance for Familial thoracic aortic aneurysm and aortic dissection. Last evaluated: 2025-08-15. Review status: criteria provided, single submitter. Criteria: Ambry Variant Classification Scheme 2023. Collection method: clinical testing. Allele origin: germline.
Comment: The p.R537H variant (also known as c.1610G>A), located in coding exon 7 of the TGFBR2 gene, results from a G to A substitution at nucleotide position 1610. The arginine at codon 537 is replaced by histidine, an amino acid with highly similar properties. This variant was reported in individual(s) with features consistent with TGFBR2-related Loeys-Dietz syndrome (Weerakkody R et al. Genet Med, 2018 Nov;20:1414-1422; Arnaud P et al. Genet Med, 2019 Sep;21:2015-2024). This amino acid position is highly conserved in available vertebrate species. In addition, this alteration is predicted to be deleterious by in silico analysis. Based on the available evidence, the clinical significance of this variant remains unclear.

Labcorp Genetics (formerly Invitae), Labcorp
Classification: Likely pathogenic for Familial thoracic aortic aneurysm and aortic dissection. Last evaluated: 2024-11-10. Review status: criteria provided, single submitter. Criteria: Invitae Variant Classification Sherloc (09022015). Collection method: clinical testing. Allele origin: germline.
Comment: This sequence change replaces arginine, which is basic and polar, with histidine, which is basic and polar, at codon 537 of the TGFBR2 protein (p.Arg537His). This variant is present in population databases (no rsID available, gnomAD 0.007%). This missense change has been observed in individual(s) with TGFBR2-related conditions (PMID: 29543232). ClinVar contains an entry for this variant (Variation ID: 393141). Invitae Evidence Modeling of protein sequence and biophysical properties (such as structural, functional, and spatial information, amino acid conservation, physicochemical variation, residue mobility, and thermodynamic stability) indicates that this missense variant is expected to disrupt TGFBR2 protein function with a positive predictive value of 95%. This variant disrupts the p.Arg537 amino acid residue in TGFBR2. Other variant(s) that disrupt this residue have been determined to be pathogenic (PMID: 15235604, 18781618, 21098638, 21324918, 22734312). This suggests that this residue is clinically significant, and that variants that disrupt this residue are likely to be disease-causing. In summary, the currently available evidence indicates that the variant is pathogenic, but additional data are needed to prove that conclusively. Therefore, this variant has been classified as Likely Pathogenic.

Literature cited by the submitters: PubMed 29543232 (cited by Ambry Genetics and Labcorp Genetics (formerly Invitae), Labcorp); PubMed 30739908 (cited by Ambry Genetics); PubMed 15235604 (cited by Labcorp Genetics (formerly Invitae), Labcorp); PubMed 18781618 (cited by Labcorp Genetics (formerly Invitae), Labcorp); PubMed 21098638 (cited by Labcorp Genetics (formerly Invitae), Labcorp); PubMed 21324918 (cited by Labcorp Genetics (formerly Invitae), Labcorp); PubMed 22734312 (cited by Labcorp Genetics (formerly Invitae), Labcorp).

NM_003242.6(TGFBR2):c.1610G>A (p.Arg537His)

Gene: TGFBR2 (transforming growth factor beta receptor 2; plus strand). Cytogenetic location: 3p24.1.
Variant type: single nucleotide variant.
Coding change: c.1610G>A on transcript NM_003242.6 (MANE Select); coding-DNA position 1610, G replaced by A.
Protein change: p.Arg537His; replaces arginine 537 with histidine.
Molecular consequence: missense variant.
Genome position (GRCh38, 1-based): chr3:30,691,505, G>A. VCF-style: chr3-30691505-G-A. GRCh37 (hg19) VCF-style: chr3-30732997-G-A.
Other names: c.1685G>A, p.Arg562His (NM_001024847.3); c.1793G>A, p.Arg598His (NM_001407126.1); c.1718G>A, p.Arg573His (NM_001407127.1); c.1637G>A, p.Arg546His (NM_001407128.1); c.1613G>A, p.Arg538His (NM_001407129.1); c.1607G>A, p.Arg536His (NM_001407130.1); c.1505G>A, p.Arg502His (NM_001407132.1, NM_001407133.1, NM_001407134.1 and 2 more transcripts); c.1325G>A, p.Arg442His (NM_001407137.1); and 2 more; short protein forms R537H, R562H, R536H, R546H, R442H, R417H, R538H, R573H.
Identifiers: ClinVar variation 393141 (VCV000393141.12), dbSNP rs1057524810, ClinGen allele CA16604407.